The following is an entry in ClinVar:

ClinVar aggregate classification (germline): Pathogenic (1 of 4 stars; one submission).

Allele frequency attached by ClinVar (database versions not stated): gnomAD exomes below 0.00001.

Submission:

Labcorp Genetics (formerly Invitae), Labcorp
Classification: Pathogenic. Last evaluated: 2019-11-28. Review status: criteria provided, single submitter. Criteria: Invitae Variant Classification Sherloc (09022015). Collection method: clinical testing. Allele origin: germline.
Comment: Loss-of-function variants in EIF2B5 are known to be pathogenic (PMID: 11704758, 15060152, 21307862). For these reasons, this variant has been classified as Pathogenic. This variant has not been reported in the literature in individuals with EIF2B5-related conditions. This variant is not present in population databases (ExAC no frequency). This sequence change creates a premature translational stop signal (p.Trp97*) in the EIF2B5 gene. It is expected to result in an absent or disrupted protein product.

Literature cited by the submitters: PubMed 11704758; PubMed 15060152; PubMed 21307862.

NM_003907.3(EIF2B5):c.291G>A (p.Trp97Ter)

Gene: EIF2B5 (eukaryotic translation initiation factor 2B subunit epsilon; plus strand). Cytogenetic location: 3q27.1.
Variant type: single nucleotide variant.
Coding change: c.291G>A on transcript NM_003907.3 (MANE Select); coding-DNA position 291, G replaced by A.
Protein change: p.Trp97Ter; replaces tryptophan 97 with a stop codon.
Molecular consequence: nonsense.
Genome position (GRCh38, 1-based): chr3:184,136,707, G>A. VCF-style: chr3-184136707-G-A. GRCh37 (hg19) VCF-style: chr3-183854495-G-A.
Other names: short protein forms W97*.
Identifiers: ClinVar variation 854604 (VCV000854604.7), dbSNP rs1713376361, ClinGen allele CA355381632.